The following is an entry in ClinVar:

NM_000094.4(COL7A1):c.4939G>A (p.Asp1647Asn)

Gene: COL7A1 (collagen type VII alpha 1 chain; minus strand). Cytogenetic location: 3p21.31.
Variant type: single nucleotide variant.
Coding change: c.4939G>A on transcript NM_000094.4 (MANE Select); coding-DNA position 4939, G replaced by A.
Protein change: p.Asp1647Asn; replaces aspartic acid 1647 with asparagine.
Molecular consequence: missense variant.
Genome position (GRCh38, 1-based): chr3:48,580,923, C>T on the plus strand (G>A on the coding strand, the complement: COL7A1 is on the minus strand). VCF-style: chr3-48580923-C-T. GRCh37 (hg19) VCF-style: chr3-48618356-C-T.
Other names: short protein forms D1647N.
Identifiers: ClinVar variation 1494574 (VCV001494574.8), dbSNP rs2107709091, ClinGen allele CA352680858.

ClinVar aggregate classification (germline): Uncertain significance (1 of 4 stars; one submission).

Submission:

Labcorp Genetics (formerly Invitae), Labcorp
Classification: Uncertain significance. Last evaluated: 2021-05-29. Review status: criteria provided, single submitter. Criteria: Invitae Variant Classification Sherloc (09022015). Collection method: clinical testing. Allele origin: germline.
Comment: In summary, the available evidence is currently insufficient to determine the role of this variant in disease. Therefore, it has been classified as a Variant of Uncertain Significance. Advanced modeling of protein sequence and biophysical properties (such as structural, functional, and spatial information, amino acid conservation, physicochemical variation, residue mobility, and thermodynamic stability) performed at Invitae indicates that this missense variant is not expected to disrupt COL7A1 protein function. This sequence change replaces aspartic acid with asparagine at codon 1647 of the COL7A1 protein (p.Asp1647Asn). The aspartic acid residue is weakly conserved and there is a small physicochemical difference between aspartic acid and asparagine. This variant is not present in population databases (ExAC no frequency). This variant has not been reported in the literature in individuals with COL7A1-related conditions.